The following is an entry in ClinVar:

NM_002476.2(MYL4):c.371C>T (p.Ser124Phe)

Gene: MYL4 (myosin light chain 4; plus strand). Cytogenetic location: 17q21.32.
Variant type: single nucleotide variant.
Coding change: c.371C>T on transcript NM_002476.2 (MANE Select); coding-DNA position 371, C replaced by T.
Protein change: p.Ser124Phe; replaces serine 124 with phenylalanine.
Molecular consequence: missense variant.
Genome position (GRCh38, 1-based): chr17:47,221,739, C>T. VCF-style: chr17-47221739-C-T. GRCh37 (hg19) VCF-style: chr17-45299105-C-T.
Other names: c.371C>T, p.Ser124Phe (NM_001002841.2); short protein forms S124F.
Identifiers: ClinVar variation 2709227 (VCV002709227.3), dbSNP rs1567749846, ClinGen allele CA400022281.

ClinVar aggregate classification (germline): Uncertain significance (1 of 4 stars; one submission).

Conditions:
Atrial fibrillation, familial, 18 (ATFB18). Identifiers: MedGen C4310636, MONDO:0015001, OMIM 617280.

Allele frequency attached by ClinVar (database versions not stated): gnomAD exomes below 0.00001.
gnomAD v4.1: 1 of 1,614,196 alleles (0.000062%); highest among the groups gnomAD compares: Non-Finnish European, 0.000085%; no homozygotes.

Submission:

Labcorp Genetics (formerly Invitae), Labcorp
Classification: Uncertain significance for Atrial fibrillation, familial, 18. Last evaluated: 2024-01-13. Review status: criteria provided, single submitter. Criteria: Invitae Variant Classification Sherloc (09022015). Collection method: clinical testing. Allele origin: germline.
Comment: This sequence change replaces serine, which is neutral and polar, with phenylalanine, which is neutral and non-polar, at codon 124 of the MYL4 protein (p.Ser124Phe). This variant is not present in population databases (gnomAD no frequency). This variant has not been reported in the literature in individuals affected with MYL4-related conditions. An algorithm developed to predict the effect of missense changes on protein structure and function (PolyPhen-2) suggests that this variant is likely to be disruptive. In summary, the available evidence is currently insufficient to determine the role of this variant in disease. Therefore, it has been classified as a Variant of Uncertain Significance.